The following is an entry in ClinVar:

ClinVar aggregate classification (germline): Uncertain significance. Review status: criteria provided, single submitter (1 of 4 stars). 2 submissions from 2 submitters: Uncertain significance (1). 1 of the submissions does not count toward it. Last evaluated 2023-08-11.

Conditions:
Neuronopathy, distal hereditary motor, autosomal dominant. Also called: Autosomal dominant distal hereditary motor neuropathy. Identifiers: Orphanet 140465, MedGen C5548212, MONDO:0015362.
Autosomal recessive distal spinal muscular atrophy 1. Also called: NEURONOPATHY, SEVERE INFANTILE AXONAL, WITH RESPIRATORY FAILURE; SEVERE INFANTILE AXONAL NEUROPATHY WITH RESPIRATORY FAILURE; SPINAL MUSCULAR ATROPHY, DIAPHRAGMATIC; Spinal muscular atrophy with respiratory distress 1; HMN VI; NEURONOPATHY, DISTAL HEREDITARY MOTOR, HARDING TYPE VI. Identifiers: Orphanet 98920, MedGen C1858517, MONDO:0011436, OMIM 604320.

Allele frequency attached by ClinVar (database versions not stated): gnomAD exomes below 0.00001.
gnomAD v4.1: 2 of 1,614,134 alleles (0.00012%); highest among the groups gnomAD compares: Non-Finnish European, 0.00017%; no homozygotes.

Submissions (2):

3billion
Classification: Uncertain significance for Autosomal recessive distal spinal muscular atrophy 1. Last evaluated: 2023-08-11. Review status: criteria provided, single submitter. Criteria: ACMG Guidelines, 2015. Collection method: clinical testing. Allele origin: germline. Affected: yes.
Comment: The variant is not observed in the gnomAD v2.1.1 dataset. Predicted Consequence/Location: Missense variant In silico tool predictions suggest damaging effect of the variant on gene or gene product [REVEL: 0.98 (>=0.6, sensitivity 0.68 and specificity 0.92); 3Cnet: 0.98 (>=0.6, sensitivity 0.72 and precision 0.9)]. Same nucleotide change resulting in same amino acid change has been previously reported to be associated with IGHMBP2 related disorder (PMID: 24388491). However, the evidence of pathogenicity is insufficient at this time. Therefore, this variant is classified as VUS according to the recommendation of ACMG/AMP guideline.

Inherited Neuropathy Consortium
Classification: Uncertain significance for Autosomal dominant distal hereditary motor neuropathy. Review status: no assertion criteria provided. Collection method: literature only. Allele origin: germline. Affected: yes. Not counted in ClinVar's aggregate classification.

Literature cited by the submitters: PubMed 24388491 (cited by 3billion and Inherited Neuropathy Consortium).

NM_002180.3(IGHMBP2):c.595G>C (p.Ala199Pro)

Gene: IGHMBP2 (immunoglobulin mu DNA binding protein 2; plus strand). Cytogenetic location: 11q13.3.
Variant type: single nucleotide variant.
Coding change: c.595G>C on transcript NM_002180.3 (MANE Select); coding-DNA position 595, G replaced by C.
Protein change: p.Ala199Pro; replaces alanine 199 with proline.
Molecular consequence: missense variant.
Genome position (GRCh38, 1-based): chr11:68,911,487, G>C. VCF-style: chr11-68911487-G-C. GRCh37 (hg19) VCF-style: chr11-68678955-G-C.
Other names: short protein forms A199P.
Identifiers: ClinVar variation 637267 (VCV000637267.2), dbSNP rs1594422527, ClinGen allele CA381643764.
Genomic context (GRCh38, chr11:68,911,487, plus strand): 5'-GCTTCTTCCACAGACCCGCTGACATTCTTCAACACCTGCCTGGACACCTCCCAGAAAGAA[G>C]CGGTTTTATTTGCGCTGTCTCAGAAAGAACTTGCCATCATCCATGGACCTCCTGGCACTG-3'
Protein context (NP_002171.2, residues 189-209): NTCLDTSQKE[Ala199Pro]VLFALSQKEL